The following is an entry in ClinVar:

NM_001164508.2(NEB):c.21312+5G>A

Gene: NEB (nebulin; minus strand). Cytogenetic location: 2q23.3.
Variant type: single nucleotide variant.
Coding change: c.21312+5G>A on transcript NM_001164508.2 (MANE Select); 5 bases into the intron after coding-DNA position 21312, G replaced by A.
Molecular consequence: intron variant.
Genome position (GRCh38, 1-based): chr2:151,535,686, C>T on the plus strand (G>A on the coding strand, the complement: NEB is on the minus strand). VCF-style: chr2-151535686-C-T. GRCh37 (hg19) VCF-style: chr2-152392200-C-T.
Other names: c.16209+5G>A (NM_004543.5); c.21312+5G>A (NM_001164507.2, NM_001271208.2).
Identifiers: ClinVar variation 654849 (VCV000654849.8), dbSNP rs778363526, ClinGen allele CA1907026.

ClinVar aggregate classification (germline): Uncertain significance. Review status: criteria provided, multiple submitters, no conflicts (2 of 4 stars). 3 submissions from 3 submitters: Uncertain significance (2). 1 of the submissions does not count toward it. Last evaluated 2025-05-31.

Conditions:
Nemaline myopathy 2 (NEM2). Also called: Nemaline myopathy 2, autosomal recessive. Identifiers: MedGen C1850569, MONDO:0009725, OMIM 256030.

Allele frequency attached by ClinVar (database versions not stated): gnomAD 0.00001; gnomAD exomes 0.00001 and 0.00002; TOPMed 0.00001; ExAC 0.00003.
gnomAD v4.1: 21 of 1,579,724 alleles (0.0013%); highest among the groups gnomAD compares: Admixed American, 0.0086%; no homozygotes.

Submissions (3):

GeneDx
Classification: Uncertain significance. Last evaluated: 2025-05-31. Review status: criteria provided, single submitter. Criteria: GeneDx Variant Classification Process June 2021. Collection method: clinical testing. Allele origin: germline. Affected: yes.
Comment: Not observed at significant frequency in large population cohorts (gnomAD); Intronic +5 splice site variant in a gene for which loss of function is a known mechanism of disease, and both splice predictors and evolutionary conservation support a deleterious effect, although in the absence of functional evidence the actual effect of this sequence change is unknown.; Has not been previously published as pathogenic or benign to our knowledge

Labcorp Genetics (formerly Invitae), Labcorp
Classification: Uncertain significance for Nemaline myopathy 2. Last evaluated: 2022-08-31. Review status: criteria provided, single submitter. Criteria: Invitae Variant Classification Sherloc (09022015). Collection method: clinical testing. Allele origin: germline.
Comment: This sequence change falls in intron 142 of the NEB gene. It does not directly change the encoded amino acid sequence of the NEB protein. It affects a nucleotide within the consensus splice site. This variant is present in population databases (rs778363526, gnomAD 0.009%). This variant has not been reported in the literature in individuals affected with NEB-related conditions. ClinVar contains an entry for this variant (Variation ID: 654849). Variants that disrupt the consensus splice site are a relatively common cause of aberrant splicing (PMID: 17576681, 9536098). Algorithms developed to predict the effect of sequence changes on RNA splicing suggest that this variant may disrupt the consensus splice site. In summary, the available evidence is currently insufficient to determine the role of this variant in disease. Therefore, it has been classified as a Variant of Uncertain Significance.

Natera, Inc.
Classification: Uncertain significance for Nemaline myopathy type 2. Last evaluated: 2021-06-29. Review status: no assertion criteria provided. Collection method: clinical testing. Allele origin: germline. Not counted in ClinVar's aggregate classification.

Literature cited by the submitters: PubMed 17576681 (cited by Labcorp Genetics (formerly Invitae), Labcorp); PubMed 9536098 (cited by Labcorp Genetics (formerly Invitae), Labcorp).